The following is an entry in ClinVar:

NM_021020.5(LZTS1):c.49C>G (p.His17Asp)

Gene: LZTS1 (leucine zipper tumor suppressor 1; minus strand). Cytogenetic location: 8p21.3.
Variant type: single nucleotide variant.
Coding change: c.49C>G on transcript NM_021020.5 (MANE Select); coding-DNA position 49, C replaced by G.
Protein change: p.His17Asp; replaces histidine 17 with aspartic acid.
Molecular consequence: missense variant.
Genome position (GRCh38, 1-based): chr8:20,255,133, G>C on the plus strand (C>G on the coding strand, the complement: LZTS1 is on the minus strand). VCF-style: chr8-20255133-G-C. GRCh37 (hg19) VCF-style: chr8-20112644-G-C.
Other names: c.49C>G, p.His17Asp (NM_001362884.2); short protein forms H17D.
Identifiers: ClinVar variation 3720803 (VCV003720803.2).

ClinVar aggregate classification (germline): Uncertain significance (1 of 4 stars; one submission).

gnomAD v4.1: 22 of 1,614,008 alleles (0.0014%); highest among the groups gnomAD compares: Non-Finnish European, 0.0019%; no homozygotes.

Submission:

Labcorp Genetics (formerly Invitae), Labcorp
Classification: Uncertain significance. Last evaluated: 2024-08-20. Review status: criteria provided, single submitter. Criteria: Invitae Variant Classification Sherloc (09022015). Collection method: clinical testing. Allele origin: germline.
Comment: This sequence change replaces histidine, which is basic and polar, with aspartic acid, which is acidic and polar, at codon 17 of the LZTS1 protein (p.His17Asp). This variant is present in population databases (rs368057069, gnomAD 0.002%). This missense change has been observed in individual(s) with LZTS1-related conditions (PMID: 26504261). Invitae Evidence Modeling of protein sequence and biophysical properties (such as structural, functional, and spatial information, amino acid conservation, physicochemical variation, residue mobility, and thermodynamic stability) has been performed for this missense variant. However, the output from this modeling did not meet the statistical confidence thresholds required to predict the impact of this variant on LZTS1 protein function. In summary, the available evidence is currently insufficient to determine the role of this variant in disease. Therefore, it has been classified as a Variant of Uncertain Significance.

Literature cited by the submitters: PubMed 26504261.